The following is an entry in ClinVar:

ClinVar aggregate classification (germline): Likely benign. Review status: criteria provided, multiple submitters, no conflicts (2 of 4 stars). 3 submissions from 3 submitters: Likely benign (3). Last evaluated 2025-12-01.

Conditions:
Hereditary cancer-predisposing syndrome. Also called: Neoplastic Syndromes, Hereditary; Tumor predisposition; Hereditary Cancer Syndrome; Hereditary neoplastic syndrome. Identifiers: Orphanet 140162, MedGen C0027672, MeSH D009386, MONDO:0015356.

Submissions (3):

Labcorp Genetics (formerly Invitae), Labcorp
Classification: Likely benign. Last evaluated: 2025-12-01. Review status: criteria provided, single submitter. Criteria: Invitae Variant Classification Sherloc (09022015). Collection method: clinical testing. Allele origin: germline.

Ambry Genetics
Classification: Likely benign for Hereditary cancer-predisposing syndrome. Last evaluated: 2020-11-07. Review status: criteria provided, single submitter. Criteria: Ambry Variant Classification Scheme 2023. Collection method: clinical testing. Allele origin: germline.

GeneDx
Classification: Likely benign. Last evaluated: 2018-03-07. Review status: criteria provided, single submitter. Criteria: GeneDx Variant Classification (06012015). Collection method: clinical testing. Allele origin: germline. Affected: yes.
Comment: This variant is considered likely benign or benign based on one or more of the following criteria: it is a conservative change, it occurs at a poorly conserved position in the protein, it is predicted to be benign by multiple in silico algorithms, and/or has population frequency not consistent with disease.

NM_006231.4(POLE):c.2334G>A (p.Lys778=)

Gene: POLE (DNA polymerase epsilon, catalytic subunit; minus strand). Cytogenetic location: 12q24.33.
Variant type: single nucleotide variant.
Coding change: c.2334G>A on transcript NM_006231.4 (MANE Select); coding-DNA position 2334, G replaced by A.
Protein change: p.Lys778=; no amino-acid change (lysine 778 retained).
Molecular consequence: synonymous variant.
Genome position (GRCh38, 1-based): chr12:132,665,436, C>T on the plus strand (G>A on the coding strand, the complement: POLE is on the minus strand). VCF-style: chr12-132665436-C-T. GRCh37 (hg19) VCF-style: chr12-133242022-C-T.
Identifiers: ClinVar variation 473523 (VCV000473523.14), dbSNP rs929596537, ClinGen allele CA246319360.